The following is an entry in ClinVar:

NM_032242.4(PLXNA1):c.3502_3505del (p.Pro1168fs)

Gene: PLXNA1 (plexin A1; plus strand). Cytogenetic location: 3q21.3.
Variant type: Deletion.
Coding change: c.3502_3505del on transcript NM_032242.4 (MANE Select); coding-DNA positions 3502 to 3505, 4 bases deleted (CCAC; older notation c.3502_3505delCCAC).
Protein change: p.Pro1168fs; shifts the reading frame from proline 1168.
Molecular consequence: frameshift variant.
Genome position (GRCh38, 1-based): chr3:127,017,650-127,017,653, CCAC deleted; deleting any 4 consecutive bases within chr3:127,017,649-127,017,653 gives the same sequence; the c. name uses the placement nearest the transcript's 3' end. VCF-style (leftmost placement, unchanged base first): chr3-127017648-CCCCA-C. GRCh37 (hg19) VCF-style: chr3-126736491-CCCCA-C.
Other names: short protein forms P1168fs.
Identifiers: ClinVar variation 5001528 (VCV005001528.1).

ClinVar aggregate classification (germline): Uncertain significance (1 of 4 stars; one submission).

Conditions:
PLXNA1-related disorder. Also called: PLXNA1-related condition.

Submission:

PreventionGenetics, part of Exact Sciences
Classification: Uncertain significance for PLXNA1-related condition. Last evaluated: 2025-05-09. Review status: criteria provided, single submitter. Criteria: ACMG Guidelines, 2015. Collection method: clinical testing. Allele origin: germline.
Comment: The PLXNA1 c.3502_3505delCCAC variant is predicted to result in a frameshift and premature protein termination (p.Pro1168Serfs*73). To our knowledge, this variant has not been reported in the literature or in a large population database (gnomAD), indicating this variant is rare. Loss of function is not a well established mechanism of PLXNA1-related disease. Although we suspect that this variant may be pathogenic, at this time, the clinical significance of this variant is uncertain due to the absence of conclusive functional and genetic evidence.